The following is an entry in ClinVar:

ClinVar aggregate classification (germline): Uncertain significance (1 of 4 stars; one submission).

Submission:

Labcorp Genetics (formerly Invitae), Labcorp
Classification: Uncertain significance. Last evaluated: 2023-05-16. Review status: criteria provided, single submitter. Criteria: Invitae Variant Classification Sherloc (09022015). Collection method: clinical testing. Allele origin: germline.
Comment: This variant is not present in population databases (gnomAD no frequency). This sequence change replaces serine, which is neutral and polar, with leucine, which is neutral and non-polar, at codon 132 of the NEXMIF protein (p.Ser132Leu). This variant has not been reported in the literature in individuals affected with NEXMIF-related conditions. In summary, the available evidence is currently insufficient to determine the role of this variant in disease. Therefore, it has been classified as a Variant of Uncertain Significance. An algorithm developed to predict the effect of missense changes on protein structure and function (PolyPhen-2) suggests that this variant is likely to be disruptive. ClinVar contains an entry for this variant (Variation ID: 652708).

NM_001008537.3(NEXMIF):c.395C>T (p.Ser132Leu)

Gene: NEXMIF (neurite extension and migration factor; minus strand). Cytogenetic location: Xq13.3.
Variant type: single nucleotide variant.
Coding change: c.395C>T on transcript NM_001008537.3 (MANE Select); coding-DNA position 395, C replaced by T.
Protein change: p.Ser132Leu; replaces serine 132 with leucine.
Molecular consequence: missense variant.
Genome position (GRCh38, 1-based): chrX:74,744,162, G>A on the plus strand (C>T on the coding strand, the complement: NEXMIF is on the minus strand). VCF-style: chrX-74744162-G-A. GRCh37 (hg19) VCF-style: chrX-73963997-G-A.
Other names: short protein forms S132L.
Identifiers: ClinVar variation 652708 (VCV000652708.8), dbSNP rs1602212849, ClinGen allele CA413673555.
Genomic context (GRCh38, chrX:74,744,162, plus strand): 5'-TCCATGAAGCAGCCTAAGCAAGTCCGACTTGGCTGCATGAGACAGTCCCCATTCAGAGCT[G>A]ACATGCCTGCAGGCTCCATTATGGCAAATGGAGCTTTCTCACATTCATTGGGAAGTGACC-3'
Protein context (NP_001008537.1, residues 122-142): PFAIMEPAGM[Ser132Leu]ALNGDCLMQP